The following is an entry in ClinVar:

NM_000327.4(ROM1):c.212C>T (p.Ala71Val)

Gene: ROM1 (retinal outer segment membrane protein 1; plus strand). Cytogenetic location: 11q12.3.
Variant type: single nucleotide variant.
Coding change: c.212C>T on transcript NM_000327.4 (MANE Select); coding-DNA position 212, C replaced by T.
Protein change: p.Ala71Val; replaces alanine 71 with valine.
Molecular consequence: missense variant.
Genome position (GRCh38, 1-based): chr11:62,613,493, C>T. VCF-style: chr11-62613493-C-T. GRCh37 (hg19) VCF-style: chr11-62380965-C-T.
Other names: short protein forms A71V.
Identifiers: ClinVar variation 1963598 (VCV001963598.6), dbSNP rs772062487, ClinGen allele CA6049673.
Genomic context (GRCh38, chr11:62,613,493, plus strand): 5'-CCTTCCTGGCTCCCTCCTGTCAGTTCCCTGTCCTGCCCCAGGCTGCCCTGGCAGCGGGCG[C>T]GGTGGCTCTGGGCACAGGACTAGTGGGTGTAGGAGCCAGCCGGGCAAGTCTGAATGCAGC-3'
Protein context (NP_000318.2, residues 61-81): VLPQAALAAG[Ala71Val]VALGTGLVGV

ClinVar aggregate classification (germline): Uncertain significance. Review status: criteria provided, multiple submitters, no conflicts (2 of 4 stars). 2 submissions from 2 submitters: Uncertain significance (2). Last evaluated 2022-03-06.

Allele frequency attached by ClinVar (database versions not stated): ExAC 0.00001; gnomAD exomes 0.00001; TOPMed 0.00001.
gnomAD v4.1: 8 of 1,613,740 alleles (0.0005%); highest among the groups gnomAD compares: African/African-American, 0.0013%; no homozygotes.

Submissions (2):

Labcorp Genetics (formerly Invitae), Labcorp
Classification: Uncertain significance. Last evaluated: 2022-03-06. Review status: criteria provided, single submitter. Criteria: Invitae Variant Classification Sherloc (09022015). Collection method: clinical testing. Allele origin: germline.
Comment: This sequence change replaces alanine, which is neutral and non-polar, with valine, which is neutral and non-polar, at codon 71 of the ROM1 protein (p.Ala71Val). This variant is present in population databases (rs772062487, gnomAD 0.006%). This variant has not been reported in the literature in individuals affected with ROM1-related conditions. Algorithms developed to predict the effect of missense changes on protein structure and function (SIFT, PolyPhen-2, Align-GVGD) all suggest that this variant is likely to be tolerated. In summary, the available evidence is currently insufficient to determine the role of this variant in disease. Therefore, it has been classified as a Variant of Uncertain Significance.

Blueprint Genetics
Classification: Uncertain significance. Last evaluated: 2020-05-07. Review status: criteria provided, single submitter. Criteria: ACMG Guidelines, 2015. Collection method: clinical testing. Allele origin: germline.